The following is an entry in ClinVar:

ClinVar aggregate classification (germline): Pathogenic/Likely pathogenic. Review status: criteria provided, multiple submitters, no conflicts (2 of 4 stars). 2 submissions from 2 submitters: Pathogenic (1); Likely pathogenic (1). Last evaluated 2026-01-22.

Conditions:
Bloom syndrome (BLM). Also called: Bloom-Torre-Machacek syndrome. Identifiers: Orphanet 125, MedGen C0005859, MONDO:0008876, OMIM 210900.

Submissions (2):

Natera, Inc.
Classification: Likely pathogenic for Bloom syndrome. Last evaluated: 2026-01-22. Review status: criteria provided, single submitter. Criteria: Natera Variant Classification Schema (03/2026). Collection method: clinical testing. Allele origin: germline.
Comment: The c.3079_3080del variant in BLM is a frameshift variant predicted to shift the reading frame beginning at codon 1027 and leads to a stop codon 4 codons downstream. This variant is expected to result in nonsense mediated decay, truncation, or a dysfunctional protein product. This variant is rare in the general population with a frequency below the threshold expected for the associated phenotype(s). Given the available evidence, this variant is classified as Likely Pathogenic.

Labcorp Genetics (formerly Invitae), Labcorp
Classification: Pathogenic for Bloom syndrome. Last evaluated: 2022-04-11. Review status: criteria provided, single submitter. Criteria: Invitae Variant Classification Sherloc (09022015). Collection method: clinical testing. Allele origin: germline.
Comment: This sequence change creates a premature translational stop signal (p.Val1027Thrfs*4) in the BLM gene. It is expected to result in an absent or disrupted protein product. Loss-of-function variants in BLM are known to be pathogenic (PMID: 17407155). This variant is not present in population databases (gnomAD no frequency). For these reasons, this variant has been classified as Pathogenic. This variant has not been reported in the literature in individuals affected with BLM-related conditions.

Literature cited by the submitters: PubMed 17407155 (cited by Labcorp Genetics (formerly Invitae), Labcorp).

NM_000057.4(BLM):c.3079_3080del (p.Val1027fs)

Gene: BLM (BLM RecQ like helicase; plus strand). Cytogenetic location: 15q26.1.
Variant type: Deletion.
Coding change: c.3079_3080del on transcript NM_000057.4 (MANE Select); coding-DNA positions 3079 to 3080, 2 bases deleted (GT; older notation c.3079_3080delGT).
Protein change: p.Val1027fs; shifts the reading frame from valine 1027.
Molecular consequence: frameshift variant.
Genome position (GRCh38, 1-based): chr15:90,794,226-90,794,227, GT deleted. VCF-style (leftmost placement, unchanged base first): chr15-90794225-GGT-G. GRCh37 (hg19) VCF-style: chr15-91337455-GGT-G.
Other names: c.3079_3080del, p.Val1027fs (NM_001287246.2, NM_001287247.2); c.1954_1955del, p.Val652fs (NM_001287248.2); c.3079_3080del (NM_000057.3); short protein forms V652fs, V1027fs.
Identifiers: ClinVar variation 2124620 (VCV002124620.5), dbSNP rs2505524868, ClinGen allele CA2580090295.
Genomic context (GRCh38, chr15:90,794,225, plus strand): 5'-AGTGGAAAAAGATGGAAACCATCATACAAGAGAAACTCACTTCAATAATTTGTATAGCAT[GGT>G]ACATTACTGTGAAAATATAACGGAATGCAGGAGAATACAGCTTTTGGCCTACTTTGGTGA-3'